The following is an entry in ClinVar:

ClinVar aggregate classification (germline): Pathogenic (1 of 4 stars; one submission).

Submission:

GeneDx
Classification: Pathogenic. Last evaluated: 2022-02-16. Review status: criteria provided, single submitter. Criteria: GeneDx Variant Classification Process June 2021. Collection method: clinical testing. Allele origin: germline. Affected: yes.
Comment: Has not been previously published as pathogenic or benign to our knowledge; Not observed at significant frequency in large population cohorts (gnomAD); Frameshift variant predicted to result in protein truncation or nonsense mediated decay in a gene for which loss-of-function is a known mechanism of disease

NM_000138.5(FBN1):c.7037dup (p.Asn2346fs)

Gene: FBN1 (fibrillin 1; minus strand). Cytogenetic location: 15q21.1.
Variant type: Duplication.
Coding change: c.7037dup on transcript NM_000138.5 (MANE Select); coding-DNA position 7037, one base duplicated (A; older notation c.7037dupA).
Protein change: p.Asn2346fs; shifts the reading frame from asparagine 2346.
Molecular consequence: frameshift variant.
Genome position (GRCh38, 1-based): chr15:48,427,734, T duplicated on the plus strand (A on the coding strand, the reverse complement: FBN1 is on the minus strand); the first of 4 consecutive T bases (chr15:48,427,734-48,427,737); duplicating any one gives the same sequence. VCF-style (leftmost placement, unchanged base first): chr15-48427733-G-GT. GRCh37 (hg19) VCF-style: chr15-48719930-G-GT.
Other names: c.7037dupA (NM_000138.4); short protein forms N2346fs.
Identifiers: ClinVar variation 429895 (VCV000429895.4), dbSNP rs1131691656, ClinGen allele CA645369662.
Genomic context (GRCh38, chr15:48,427,733, plus strand): 5'-GTCACAGCAGCATTCCGATTTGGTGACGGGGTTCCTGTTGCTGGAGCCGATCTGACACAT[G>GT]TTTTGTAGCACCTCTGTGAAGCAGTACCCTTCCCGATTGTCTGGAAGGGACATTATATGG-3'